The following is an entry in ClinVar:

ClinVar aggregate classification (germline): Uncertain significance. Review status: criteria provided, multiple submitters, no conflicts (2 of 4 stars). 3 submissions from 3 submitters: Uncertain significance (3). Last evaluated 2026-02-17.

Conditions:
Hereditary cancer-predisposing syndrome. Also called: Hereditary neoplastic syndrome; Tumor predisposition; Hereditary Cancer Syndrome; Neoplastic Syndromes, Hereditary. Identifiers: Orphanet 140162, MedGen C0027672, MeSH D009386, MONDO:0015356.
POLD1-related polyposis and colorectal cancer syndrome (CRCS10). Also called: Colorectal cancer, susceptibility to, 10; Colorectal cancer 10; COLORECTAL CANCER, SUSCEPTIBILITY TO, ON CHROMOSOME 19q. Identifiers: Orphanet 220460, MedGen C2675481, MONDO:0012953, OMIM 612591.

Allele frequency attached by ClinVar (database versions not stated): TOPMed below 0.00001.

Submissions (3):

Ambry Genetics
Classification: Uncertain significance for Hereditary cancer-predisposing syndrome. Last evaluated: 2026-02-17. Review status: criteria provided, single submitter. Criteria: Ambry Variant Classification Scheme 2023. Collection method: clinical testing. Allele origin: germline.
Comment: The c.317-3C>G intronic variant results from a C to G substitution 3 nucleotides upstream from coding exon 3 in the POLD1 gene. This nucleotide position is well conserved in available vertebrate species. In silico splice site analysis predicts that this alteration will weaken the native splice acceptor site and will result in the creation or strengthening of a novel splice acceptor site. Based on the available evidence, the clinical significance of this variant remains unclear.

GeneDx
Classification: Uncertain significance. Last evaluated: 2019-06-24. Review status: criteria provided, single submitter. Criteria: GeneDx Variant Classification Process June 2021. Collection method: clinical testing. Allele origin: germline. Affected: yes.
Comment: Not observed in large population cohorts (Lek et al., 2016); Has not been previously published as pathogenic or benign to our knowledge

Labcorp Genetics (formerly Invitae), Labcorp
Classification: Uncertain significance for POLD1-related polyposis and colorectal cancer syndrome. Last evaluated: 2018-10-04. Review status: criteria provided, single submitter. Criteria: Invitae Variant Classification Sherloc (09022015). Collection method: clinical testing. Allele origin: germline.
Comment: Nucleotide substitutions within the consensus splice site are a relatively common cause of aberrant splicing (PMID: 17576681, 9536098). Algorithms developed to predict the effect of sequence changes on RNA splicing suggest that this variant may disrupt the consensus splice site, but this prediction has not been confirmed by published transcriptional studies. In summary, the available evidence is currently insufficient to determine the role of this variant in disease. Therefore, it has been classified as a Variant of Uncertain Significance. This variant has not been reported in the literature in individuals with POLD1-related disease. This variant is not present in population databases (ExAC no frequency). This sequence change falls in intron 3 of the POLD1 gene. It does not directly change the encoded amino acid sequence of the POLD1 protein, but it affects a nucleotide within the consensus splice site of the intron.

Literature cited by the submitters: PubMed 17576681 (cited by Labcorp Genetics (formerly Invitae), Labcorp); PubMed 9536098 (cited by Labcorp Genetics (formerly Invitae), Labcorp).

NM_002691.4(POLD1):c.317-3C>G

Gene: POLD1 (DNA polymerase delta 1, catalytic subunit; plus strand). Cytogenetic location: 19q13.33.
Variant type: single nucleotide variant.
Coding change: c.317-3C>G on transcript NM_002691.4 (MANE Select); 3 bases into the intron before coding-DNA position 317, C replaced by G.
Molecular consequence: intron variant.
Genome position (GRCh38, 1-based): chr19:50,401,775, C>G. VCF-style: chr19-50401775-C-G. GRCh37 (hg19) VCF-style: chr19-50905032-C-G.
Other names: c.317-3C>G (LRG_785t1, LRG_785t2, NM_001256849.1 and 1 more transcripts).
Identifiers: ClinVar variation 646264 (VCV000646264.15), dbSNP rs1601198088, ClinGen allele CA915951915.